The following is an entry in ClinVar:

ClinVar aggregate classification (germline): Uncertain significance (1 of 4 stars; one submission).

Submission:

GeneDx
Classification: Uncertain significance. Last evaluated: 2024-10-06. Review status: criteria provided, single submitter. Criteria: GeneDx Variant Classification Process June 2021. Collection method: clinical testing. Allele origin: germline. Affected: yes.
Comment: Not observed at significant frequency in large population cohorts (gnomAD); In silico analysis supports that this missense variant has a deleterious effect on protein structure/function; Has not been previously published as pathogenic or benign to our knowledge

NM_001369268.1(ACAN):c.5401G>C (p.Gly1801Arg)

Gene: ACAN (aggrecan; plus strand). Cytogenetic location: 15q26.1.
Variant type: single nucleotide variant.
Coding change: c.5401G>C on transcript NM_001369268.1 (MANE Select); coding-DNA position 5401, G replaced by C.
Protein change: p.Gly1801Arg; replaces glycine 1801 with arginine.
Molecular consequence: missense variant.
Genome position (GRCh38, 1-based): chr15:88,857,986, G>C. VCF-style: chr15-88857986-G-C. GRCh37 (hg19) VCF-style: chr15-89401217-G-C.
Other names: c.5401G>C, p.Gly1801Arg (NM_001135.4, NM_001411096.1, NM_001411097.1 and 1 more transcripts); short protein forms G1801R.
Identifiers: ClinVar variation 3776344 (VCV003776344.1).
Genomic context (GRCh38, chr15:88,857,986, plus strand): 5'-GGCATAACTGATCTGAGTGGAGAAACATCTGGGGTCCCTGATCTCAGTGGGCAGCCTTCA[G>C]GGTTACCAGGGTTCAGTGGGGCAACATCAGGAGTCCCTGACCTGGTTTCTGGTACCACGA-3'
Protein context (NP_001356197.1, residues 1791-1811): GVPDLSGQPS[Gly1801Arg]LPGFSGATSG